The following is an entry in ClinVar:

NM_014402.5(UQCRQ):c.116T>G (p.Leu39Arg)

Genes: UQCRQ (ubiquinol-cytochrome c reductase complex III subunit VII; plus strand), LOC126807509 (BRD4-independent group 4 enhancer GRCh37_chr5:132201613-132202812; plus strand). Cytogenetic location: 5q31.1.
Variant type: single nucleotide variant.
Coding change: c.116T>G on transcript NM_014402.5 (MANE Select); coding-DNA position 116, T replaced by G.
Protein change: p.Leu39Arg; replaces leucine 39 with arginine.
Molecular consequence: missense variant.
Genome position (GRCh38, 1-based): chr5:132,866,997, T>G. VCF-style: chr5-132866997-T-G. GRCh37 (hg19) VCF-style: chr5-132202689-T-G.
Other names: short protein forms L39R.
Identifiers: ClinVar variation 2420693 (VCV002420693.7), dbSNP rs562265918, ClinGen allele CA3408450.
Genomic context (GRCh38, chr5:132,866,997, plus strand): 5'-TGTCACCGTTCGAGCAGCGCGCCTATCCGCACGTCTTCACTAAAGGAATCCCCAATGTTC[T>G]GCGCCGCATTCGGGAGTCTTTCTTTCGCGTGGTGCCGCGTGAGTGCCTTGGGCCCGCGGG-3'
Protein context (NP_055217.2, residues 29-49): HVFTKGIPNV[Leu39Arg]RRIRESFFRV

ClinVar aggregate classification (germline): Uncertain significance (1 of 4 stars; one submission).

Allele frequency attached by ClinVar (database versions not stated): ExAC 0.00001; gnomAD 0.00001; gnomAD exomes 0.00001; TOPMed 0.00001; 1000 Genomes Project 0.00020; 1000 Genomes Project 30x 0.00031.
gnomAD v4.1: 6 of 1,614,050 alleles (0.00037%); highest among the groups gnomAD compares: Admixed American, 0.01%; no homozygotes.

Submission:

Labcorp Genetics (formerly Invitae), Labcorp
Classification: Uncertain significance. Last evaluated: 2022-04-14. Review status: criteria provided, single submitter. Criteria: Invitae Variant Classification Sherloc (09022015). Collection method: clinical testing. Allele origin: germline.
Comment: This sequence change replaces leucine, which is neutral and non-polar, with arginine, which is basic and polar, at codon 39 of the UQCRQ protein (p.Leu39Arg). In summary, the available evidence is currently insufficient to determine the role of this variant in disease. Therefore, it has been classified as a Variant of Uncertain Significance. Algorithms developed to predict the effect of missense changes on protein structure and function are either unavailable or do not agree on the potential impact of this missense change (SIFT: "Deleterious"; PolyPhen-2: "Benign"; Align-GVGD: "Class C15"). This variant has not been reported in the literature in individuals affected with UQCRQ-related conditions. This variant is present in population databases (rs562265918, gnomAD 0.01%).